The following is an entry in ClinVar:

ClinVar aggregate classification (germline): Uncertain significance (1 of 4 stars; one submission).

Conditions:
Cardiovascular phenotype. Identifiers: MedGen CN230736.

Submission:

Ambry Genetics
Classification: Uncertain significance for Cardiovascular phenotype. Last evaluated: 2026-05-05. Review status: criteria provided, single submitter. Criteria: Ambry Variant Classification Scheme 2023. Collection method: clinical testing. Allele origin: germline.
Comment: The c.3736_3750del15 variant (also known as p.T1246_M1250del) is located in coding exon 51 of the COL1A2 gene. This variant results from an in-frame ACTTCCAAGGAAATG deletion at nucleotide positions 3736 to 3750. This results in the in-frame deletion of 5 amino acids at amino acid positions 1246 to 1250. These amino acid positions range from highly conserved to poorly conserved in available vertebrate species. In addition, this variant is predicted to be deleterious by in silico analysis (Choi Y et al. PLoS ONE. 2012; 7(10):e46688). Based on the available evidence, the clinical significance of this variant remains unclear.

NM_000089.4(COL1A2):c.3736_3750del (p.Thr1246_Met1250del)

Gene: COL1A2 (collagen type I alpha 2 chain; plus strand). Cytogenetic location: 7q21.3.
Variant type: Deletion.
Coding change: c.3736_3750del on transcript NM_000089.4 (MANE Select); coding-DNA positions 3736 to 3750, 15 bases deleted (ACTTCCAAGGAAATG).
Protein change: p.Thr1246_Met1250del.
Molecular consequence: inframe deletion. On other transcripts: inframe indel (1).
Genome position (GRCh38, 1-based): chr7:94,429,212-94,429,226, ACTTCCAAGGAAATG deleted; deleting any 15 consecutive bases within chr7:94,429,210-94,429,226 gives the same sequence; the c. name uses the placement nearest the transcript's 3' end. VCF-style (leftmost placement, unchanged base first): chr7-94429209-GTGACTTCCAAGGAAA-G. GRCh37 (hg19) VCF-style: chr7-94058521-GTGACTTCCAAGGAAA-G.
Other names: c.3736_3750del15 (NM_000089.3).
Identifiers: ClinVar variation 4869131 (VCV004869131.1).